The following is an entry in ClinVar:

NM_006516.4(SLC2A1):c.*22G>A

Gene: SLC2A1 (solute carrier family 2 member 1; minus strand). Cytogenetic location: 1p34.2.
Variant type: single nucleotide variant.
Coding change: c.*22G>A on transcript NM_006516.4 (MANE Select); 22 bases downstream of the stop codon, G replaced by A.
Molecular consequence: 3 prime UTR variant.
Genome position (GRCh38, 1-based): chr1:42,927,019, C>T on the plus strand (G>A on the coding strand, the complement: SLC2A1 is on the minus strand). VCF-style: chr1-42927019-C-T. GRCh37 (hg19) VCF-style: chr1-43392690-C-T.
Identifiers: ClinVar variation 297378 (VCV000297378.9), dbSNP rs2229683, ClinGen allele CA803272.

ClinVar aggregate classification (germline): Benign/Likely benign. Review status: criteria provided, multiple submitters, no conflicts (2 of 4 stars). 8 submissions from 3 submitters: Benign (7); Likely benign (1). Last evaluated 2023-04-11.

Conditions:
Hereditary cryohydrocytosis with reduced stomatin. Also called: Stomatin-deficient cryohydrocytosis with neurologic defects; GLUT1 DEFICIENCY SYNDROME WITH PSEUDOHYPERKALEMIA AND HEMOLYSIS. Identifiers: Orphanet 168577, MedGen C1837206, MONDO:0012143, OMIM 608885.
Epilepsy, idiopathic generalized, susceptibility to, 12 (EIG12). Identifiers: MedGen C3553859, MONDO:0013919, OMIM 614847.
Dystonia 9 (DYT9). Also called: CHOREOATHETOSIS, KINESIGENIC, WITH EPISODIC ATAXIA AND SPASTICITY. Identifiers: Orphanet 53583, MedGen C1832855, MONDO:0010983, OMIM 601042.
Childhood onset GLUT1 deficiency syndrome 2. Also called: Exertion-induced paroxysmal dyskinesia; PAROXYSMAL EXERCISE-INDUCED DYSKINESIA WITH OR WITHOUT EPILEPSY AND/OR HEMOLYTIC ANEMIA; PAROXYSMAL EXERTION-INDUCED DYSTONIA WITH OR WITHOUT EPILEPSY AND/OR HEMOLYTIC ANEMIA; PED WITH OR WITHOUT EPILEPSY AND/OR HEMOLYTIC ANEMIA; Paroxysmal exercise-induced dystonia; PxMD-SLC2A1. Identifiers: Orphanet 98811, MedGen C1842534, MONDO:0012805, OMIM 612126.
Encephalopathy due to GLUT1 deficiency. Also called: Classic Glucose Transporter Type 1 Deficiency Syndrome; GLUCOSE TRANSPORT DEFECT, BLOOD-BRAIN BARRIER; De Vivo disease; Glucose transporter protein syndrome; GLUT1 deficiency syndrome 1, infantile onset, severe; GLUT1 deficiency syndrome 1. Identifiers: Orphanet 71277, MedGen C4551966, MONDO:0011724, OMIM 606777.

Allele frequency attached by ClinVar (database versions not stated): ESP Exome Variant Server 0.00031; ExAC 0.00037; gnomAD exomes 0.00043; gnomAD 0.00076 and 0.00081; 1000 Genomes Project 30x 0.00094; TOPMed 0.00099; 1000 Genomes Project 0.00100.
gnomAD v4.1: 1,154 of 1,611,682 alleles (0.072%); highest among the groups gnomAD compares: African/African-American, 0.093%; 2 homozygotes.

Submissions (8):

Genome-Nilou Lab
Classification: Benign for Epilepsy, idiopathic generalized, susceptibility to, 12. Last evaluated: 2023-04-11. Review status: criteria provided, single submitter. Criteria: ACMG Guidelines, 2015. Collection method: clinical testing. Allele origin: germline. Affected: no.

Genome-Nilou Lab
Classification: Benign for Dystonia 9. Last evaluated: 2023-04-11. Review status: criteria provided, single submitter. Criteria: ACMG Guidelines, 2015. Collection method: clinical testing. Allele origin: germline. Affected: no.

Genome-Nilou Lab
Classification: Benign for Encephalopathy due to GLUT1 deficiency. Last evaluated: 2023-04-11. Review status: criteria provided, single submitter. Criteria: ACMG Guidelines, 2015. Collection method: clinical testing. Allele origin: germline. Affected: no.

Genome-Nilou Lab
Classification: Benign for Childhood onset GLUT1 deficiency syndrome 2. Last evaluated: 2023-04-11. Review status: criteria provided, single submitter. Criteria: ACMG Guidelines, 2015. Collection method: clinical testing. Allele origin: germline. Affected: no.

Genome-Nilou Lab
Classification: Benign for Hereditary cryohydrocytosis with reduced stomatin. Last evaluated: 2023-04-11. Review status: criteria provided, single submitter. Criteria: ACMG Guidelines, 2015. Collection method: clinical testing. Allele origin: germline. Affected: no.

GeneDx
Classification: Likely benign. Last evaluated: 2020-12-01. Review status: criteria provided, single submitter. Criteria: GeneDx Variant Classification Process June 2021. Collection method: clinical testing. Allele origin: germline. Affected: yes.

Illumina Laboratory Services, Illumina
Classification: Benign for Dystonia 9. Last evaluated: 2018-01-12. Review status: criteria provided, single submitter. Criteria: ICSL Variant Classification Criteria 13 December 2019. Collection method: clinical testing. Allele origin: germline.
Comment: This variant was observed in the ICSL laboratory as part of a predisposition screen in an ostensibly healthy population. It had not been previously curated by ICSL or reported in the Human Gene Mutation Database (HGMD: prior to June 1st, 2018), and was therefore a candidate for classification through an automated scoring system. Utilizing variant allele frequency, disease prevalence and penetrance estimates, and inheritance mode, an automated score was calculated to assess if this variant is too frequent to cause the disease. Based on the score and internal cut-off values, a variant classified as benign is not then subjected to further curation. The score for this variant resulted in a classification of benign for this disease.

Illumina Laboratory Services, Illumina
Classification: Benign for Encephalopathy due to GLUT1 deficiency. Last evaluated: 2018-01-12. Review status: criteria provided, single submitter. Criteria: ICSL Variant Classification Criteria 13 December 2019. Collection method: clinical testing. Allele origin: germline.
Comment: the same text as in the submission from Illumina Laboratory Services, Illumina above.